The following is an entry in ClinVar:

ClinVar aggregate classification (germline): Uncertain significance (1 of 4 stars; one submission).

Conditions:
Cardiovascular phenotype. Identifiers: MedGen CN230736.

Allele frequency attached by ClinVar (database versions not stated): gnomAD 0.00001; gnomAD exomes 0.00001; ExAC 0.00002.
gnomAD v4.1: 14 of 1,614,050 alleles (0.00087%); highest among the groups gnomAD compares: South Asian, 0.012%; 1 homozygote.

Submission:

Ambry Genetics
Classification: Uncertain significance for Cardiovascular phenotype. Last evaluated: 2022-11-07. Review status: criteria provided, single submitter. Criteria: Ambry Variant Classification Scheme 2023. Collection method: clinical testing. Allele origin: germline.
Comment: The p.M92T variant (also known as c.275T>C), located in coding exon 2 of the MYH6 gene, results from a T to C substitution at nucleotide position 275. The methionine at codon 92 is replaced by threonine, an amino acid with similar properties. This amino acid position is conserved. In addition, this alteration is predicted to be deleterious by in silico analysis. Since supporting evidence is limited at this time, the clinical significance of this alteration remains unclear.

NM_002471.4(MYH6):c.275T>C (p.Met92Thr)

Genes: MYH6 (myosin heavy chain 6; minus strand), LOC114827851 (VISTA enhancer hs2155; plus strand). Cytogenetic location: 14q11.2.
Variant type: single nucleotide variant.
Coding change: c.275T>C on transcript NM_002471.4 (MANE Select); coding-DNA position 275, T replaced by C.
Protein change: p.Met92Thr; replaces methionine 92 with threonine.
Molecular consequence: missense variant.
Genome position (GRCh38, 1-based): chr14:23,405,697, A>G on the plus strand (T>C on the coding strand, the complement: MYH6 is on the minus strand). VCF-style: chr14-23405697-A-G. GRCh37 (hg19) VCF-style: chr14-23874906-A-G.
Other names: short protein forms M92T.
Identifiers: ClinVar variation 2452905 (VCV002452905.2), dbSNP rs756371897, ClinGen allele CA7116216.